The following is an entry in ClinVar:

NM_004168.4(SDHA):c.1323C>A (p.Ala441=)

Gene: SDHA (succinate dehydrogenase complex flavoprotein subunit A; plus strand). Cytogenetic location: 5p15.33.
Variant type: single nucleotide variant.
Coding change: c.1323C>A on transcript NM_004168.4 (MANE Select); coding-DNA position 1323, C replaced by A.
Protein change: p.Ala441=; no amino-acid change (alanine 441 retained).
Molecular consequence: synonymous variant.
Genome position (GRCh38, 1-based): chr5:236,490, C>A. VCF-style: chr5-236490-C-A. GRCh37 (hg19) VCF-style: chr5-236605-C-A.
Other names: c.1179C>A, p.Ala393= (NM_001294332.2); c.1323C>A, p.Ala441= (NM_001330758.2).
Identifiers: ClinVar variation 3904475 (VCV003904475.2).

ClinVar aggregate classification (germline): Benign/Likely benign. Review status: criteria provided, multiple submitters, no conflicts (2 of 4 stars). 2 submissions from 2 submitters: Benign (1); Likely benign (1). Last evaluated 2025-03-30.

Conditions:
Mitochondrial complex II deficiency, nuclear type 1. Also called: SUCCINATE CoQ REDUCTASE DEFICIENCY. Identifiers: Orphanet 3208, MedGen C5700310, MONDO:0100294, OMIM 252011.
Pheochromocytoma/paraganglioma syndrome 5. Also called: Paragangliomas 5; SDHA-Related Hereditary Paraganglioma-Pheochromocytoma Syndrome. Identifiers: Orphanet 29072, MedGen C3279992, MONDO:0013602, OMIM 614165.

Submissions (2):

Labcorp Genetics (formerly Invitae), Labcorp
Classification: Likely benign for Pheochromocytoma/paraganglioma syndrome 5; Mitochondrial complex II deficiency, nuclear type 1. Last evaluated: 2025-03-30. Review status: criteria provided, single submitter. Criteria: Invitae Variant Classification Sherloc (09022015). Collection method: clinical testing. Allele origin: germline.

Myriad Genetics, Inc.
Classification: Benign for Pheochromocytoma/paraganglioma syndrome 5. Last evaluated: 2025-03-10. Review status: criteria provided, single submitter. Criteria: Myriad Autosomal Dominant, Autosomal Recessive and X-Linked Classification Criteria (2023). Collection method: clinical testing. Allele origin: unknown.
Comment: This variant is considered benign. This variant is a silent/synonymous amino acid change and it is not expected to impact splicing.